The following is an entry in ClinVar:

ClinVar aggregate classification (germline): Likely benign. Review status: criteria provided, multiple submitters, no conflicts (2 of 4 stars). 4 submissions from 4 submitters: Likely benign (2). 2 of the submissions do not count toward it. Last evaluated 2025-10-21.

Conditions:
VPS13B-related disorder. Also called: VPS13B-related condition.
Cohen syndrome (COH1). Also called: PEPPER SYNDROME; Cutis verticis gyrata, retinitis pigmentosa, and sensorineural deafness. Identifiers: Orphanet 193, MedGen C0265223, MONDO:0008999, OMIM 216550.

Allele frequency attached by ClinVar (database versions not stated): TOPMed 0.00002; gnomAD 0.00003 and 0.00004; gnomAD exomes 0.00003 and 0.00009; ExAC 0.00007.
gnomAD v4.1: 51 of 1,612,234 alleles (0.0032%); highest among the groups gnomAD compares: East Asian, 0.11%; no homozygotes.

Submissions (4):

Labcorp Genetics (formerly Invitae), Labcorp
Classification: Likely benign for Cohen syndrome. Last evaluated: 2025-10-21. Review status: criteria provided, single submitter. Criteria: Invitae Variant Classification Sherloc (09022015). Collection method: clinical testing. Allele origin: germline.

Blueprint Genetics
Classification: Likely benign. Last evaluated: 2022-06-21. Review status: criteria provided, single submitter. Criteria: ACMG Guidelines, 2015. Collection method: clinical testing. Allele origin: germline.

PreventionGenetics, part of Exact Sciences
Classification: Likely benign for VPS13B-related condition. Last evaluated: 2022-08-31. Review status: no assertion criteria provided. Collection method: clinical testing. Allele origin: germline. Not counted in ClinVar's aggregate classification.
Comment: This variant is classified as likely benign based on ACMG/AMP sequence variant interpretation guidelines (Richards et al. 2015 PMID: 25741868, with internal and published modifications).

Natera, Inc.
Classification: Likely benign for Cohen syndrome. Last evaluated: 2021-09-17. Review status: no assertion criteria provided. Collection method: clinical testing. Allele origin: germline. Not counted in ClinVar's aggregate classification.

NM_152564.5(VPS13B):c.450T>C (p.Asn150=)

Gene: VPS13B (vacuolar protein sorting 13 homolog B; plus strand). Cytogenetic location: 8q22.2.
Variant type: single nucleotide variant.
Coding change: c.450T>C on transcript NM_152564.5 (MANE Select); coding-DNA position 450, T replaced by C.
Protein change: p.Asn150=; no amino-acid change (asparagine 150 retained).
Molecular consequence: synonymous variant. On other transcripts: non-coding transcript variant (1).
Genome position (GRCh38, 1-based): chr8:99,102,990, T>C. VCF-style: chr8-99102990-T-C. GRCh37 (hg19) VCF-style: chr8-100115218-T-C.
Other names: c.450T>C, p.Asn150= (NM_015243.3, NM_017890.5, NM_181661.3); c.450T>C (NM_152564.4).
Identifiers: ClinVar variation 1118364 (VCV001118364.15), dbSNP rs746257136, ClinGen allele CA4822393.